The following is an entry in ClinVar:

NM_000430.4(PAFAH1B1):c.817C>T (p.Arg273Ter)

Gene: PAFAH1B1 (platelet activating factor acetylhydrolase 1b regulatory subunit 1; plus strand). Cytogenetic location: 17p13.3.
Variant type: single nucleotide variant.
Coding change: c.817C>T on transcript NM_000430.4 (MANE Select); coding-DNA position 817, C replaced by T.
Protein change: p.Arg273Ter; replaces arginine 273 with a stop codon.
Molecular consequence: nonsense.
Genome position (GRCh38, 1-based): chr17:2,674,205, C>T. VCF-style: chr17-2674205-C-T. GRCh37 (hg19) VCF-style: chr17-2577499-C-T.
Other names: short protein forms R273*.
Identifiers: ClinVar variation 8074 (VCV000008074.56), dbSNP rs121434483, ClinGen allele CA254312.

ClinVar aggregate classification (germline): Pathogenic. Review status: criteria provided, multiple submitters, no conflicts (2 of 4 stars). 6 submissions from 6 submitters: Pathogenic (5). 1 of the submissions does not count toward it. Last evaluated 2025-02-05.

Conditions:
Lissencephaly due to LIS1 mutation (LIS1). Also called: PAFAH1B1-Associated Lissencephaly/Subcortical Band Heterotopia; PAFAH1B1-Related Lissencephaly/Subcortical Band Heterotopia; Isolated Lissencephaly Sequence. Identifiers: Orphanet 95232, MedGen C4749301, MONDO:0011830, OMIM 607432.

Submissions (6):

GeneDx
Classification: Pathogenic. Last evaluated: 2025-02-05. Review status: criteria provided, single submitter. Criteria: GeneDx Variant Classification Process June 2021. Collection method: clinical testing. Allele origin: germline. Affected: yes.
Comment: Nonsense variant predicted to result in protein truncation or nonsense mediated decay in a gene for which loss of function is a known mechanism of disease; Not observed at significant frequency in large population cohorts (gnomAD); This variant is associated with the following publications: (PMID: 11115846, 9063735, 10583396, 25525159, 26494205, 29671837, 38364333, 36100855, 36800618, 11754098)

Labcorp Genetics (formerly Invitae), Labcorp
Classification: Pathogenic. Last evaluated: 2025-01-11. Review status: criteria provided, single submitter. Criteria: Invitae Variant Classification Sherloc (09022015). Collection method: clinical testing. Allele origin: germline.
Comment: This sequence change creates a premature translational stop signal (p.Arg273*) in the PAFAH1B1 gene. It is expected to result in an absent or disrupted protein product. Loss-of-function variants in PAFAH1B1 are known to be pathogenic (PMID: 1671808, 11115846, 14581661). This variant is not present in population databases (gnomAD no frequency). This premature translational stop signal has been observed in individual(s) with lissencephaly (PMID: 9063735). In at least one individual the variant was observed to be de novo. ClinVar contains an entry for this variant (Variation ID: 8074). Algorithms developed to predict the effect of sequence changes on RNA splicing suggest that this variant may disrupt the consensus splice site. For these reasons, this variant has been classified as Pathogenic.

Institute of Human Genetics, University of Leipzig Medical Center
Classification: Pathogenic for Lissencephaly due to LIS1 mutation. Last evaluated: 2021-07-21. Review status: criteria provided, single submitter. Criteria: ACMG Guidelines, 2015. Collection method: clinical testing. Allele origin: de novo. Affected: yes.
Comment: This variant was identified as de novo (maternity and paternity confirmed).

CeGaT Center for Human Genetics Tuebingen
Classification: Pathogenic. Last evaluated: 2019-09-01. Review status: criteria provided, single submitter. Criteria: CeGaT Center For Human Genetics Tuebingen Variant Classification Criteria Version 2. Collection method: clinical testing. Allele origin: germline. Affected: yes. Observed: 2 variant alleles.

Genetic Services Laboratory, University of Chicago
Classification: Pathogenic for Lissencephaly 1. Last evaluated: 2013-02-08. Review status: criteria provided, single submitter. Criteria: ACMG Guidelines, 2007. Collection method: clinical testing. Allele origin: germline. Inheritance: Autosomal dominant inheritance. Affected: yes.

OMIM
Classification: Pathogenic for LISSENCEPHALY 1. Last evaluated: 1997-02-01. Review status: no assertion criteria provided. Collection method: literature only. Allele origin: germline. Not counted in ClinVar's aggregate classification.

Literature cited by the submitters: PubMed 1671808 (cited by Labcorp Genetics (formerly Invitae), Labcorp); PubMed 11115846 (cited by Labcorp Genetics (formerly Invitae), Labcorp); PubMed 14581661 (cited by Labcorp Genetics (formerly Invitae), Labcorp); PubMed 9063735 (cited by Labcorp Genetics (formerly Invitae), Labcorp and OMIM); Chong, S. S., Lo Nigro, C., Roschke, A. V., Tanigami, A., Pack, S. D., Smith, A. C. M., Carrozzo, R., Dobyns, W. B., Ledbetter, D. H. Point mutations and an intragenic deletion in three ILS patients confirm LIS1 as the lissencephaly causative gene in isolated lissencephaly sequence and Miller-Dieker syndrome. (Abstract) Am. J. Hum. Genet. 59 (suppl.): A23-only, 1996. (cited by OMIM).